The following is an entry in ClinVar:

NM_000256.3(MYBPC3):c.479G>A (p.Arg160Gln)

Gene: MYBPC3 (myosin binding protein C3; minus strand). Cytogenetic location: 11p11.2.
Variant type: single nucleotide variant.
Coding change: c.479G>A on transcript NM_000256.3 (MANE Select); coding-DNA position 479, G replaced by A.
Protein change: p.Arg160Gln; replaces arginine 160 with glutamine.
Molecular consequence: missense variant.
Genome position (GRCh38, 1-based): chr11:47,350,040, C>T on the plus strand (G>A on the coding strand, the complement: MYBPC3 is on the minus strand). VCF-style: chr11-47350040-C-T. GRCh37 (hg19) VCF-style: chr11-47371591-C-T.
Other names: p.R160Q:CGG>CAG; c.479G>A, p.Arg160Gln (LRG_386t1); short protein forms R160Q.
Identifiers: ClinVar variation 181037 (VCV000181037.22), dbSNP rs730880617, ClinGen allele CA015221.

ClinVar aggregate classification (germline): Conflicting classifications of pathogenicity. Review status: criteria provided, conflicting classifications (1 of 4 stars). 8 submissions from 8 submitters: Uncertain significance (7); Likely benign (1). Last evaluated 2026-01-10.

Conditions:
Cardiovascular phenotype. Identifiers: MedGen CN230736.
Hypertrophic cardiomyopathy 4. Also called: Familial hypertrophic cardiomyopathy 4. Identifiers: MedGen C1861862, MONDO:0007268, OMIM 115197.
Left ventricular noncompaction 10 (LVNC10). Identifiers: Orphanet 154, Orphanet 54260, MedGen C3715165, MONDO:0014163, OMIM 615396.
Cardiomyopathy (CMYO). Also called: Cardiomyopathies. Identifiers: Orphanet 167848, MedGen C0878544, MONDO:0004994, HP:0001638. Inheritance: Various modes of inheritance.
Primary familial hypertrophic cardiomyopathy (HCM). Identifiers: Orphanet 99739, MedGen C0949658, MeSH D024741, MONDO:0024573. Inheritance: Various modes of inheritance.
Hypertrophic cardiomyopathy. Also called: HYPERTROPHIC MYOCARDIOPATHY. Identifiers: Orphanet 217569, MedGen C0007194, MeSH D002312, MONDO:0005045, HP:0001639.

Allele frequency attached by ClinVar (database versions not stated): gnomAD 0.00003 and 0.00004; gnomAD exomes 0.00003; TOPMed 0.00004.
gnomAD v4.1: 43 of 1,563,050 alleles (0.0028%); highest among the groups gnomAD compares: African/African-American, 0.0082%; no homozygotes.

Submissions (8):

Labcorp Genetics (formerly Invitae), Labcorp
Classification: Uncertain significance for Hypertrophic cardiomyopathy. Last evaluated: 2026-01-10. Review status: criteria provided, single submitter. Criteria: Invitae Variant Classification Sherloc (09022015). Collection method: clinical testing. Allele origin: germline.
Comment: This sequence change replaces arginine, which is basic and polar, with glutamine, which is neutral and polar, at codon 160 of the MYBPC3 protein (p.Arg160Gln). The frequency data for this variant in the population databases is considered unreliable, as metrics indicate poor data quality at this position in the gnomAD database. This missense change has been observed in individual(s) with risk factors for heart disease (PMID: 22958901). ClinVar contains an entry for this variant (Variation ID: 181037). An algorithm developed to predict the effect of missense changes on protein structure and function (PolyPhen-2) suggests that this variant is likely to be disruptive. In summary, the available evidence is currently insufficient to determine the role of this variant in disease. Therefore, it has been classified as a Variant of Uncertain Significance.

Blueprint Genetics
Classification: Likely benign. Last evaluated: 2024-11-06. Review status: criteria provided, single submitter. Criteria: ACMG Guidelines, 2015. Collection method: clinical testing. Allele origin: germline.

All of Us Research Program, National Institutes of Health
Classification: Uncertain significance for Hypertrophic cardiomyopathy. Last evaluated: 2024-03-24. Review status: criteria provided, single submitter. Criteria: ACMG Guidelines, 2015. Collection method: clinical testing. Allele origin: germline. Inheritance: Autosomal dominant inheritance. Observed: 7 variant alleles, 7 heterozygotes.
Comment: Variant of Uncertain Significance due to insufficient evidence: This missense variant replaces arginine with glutamine at codon 160 of the MYBPC3 protein. Computational prediction tools and conservation analyses are inconclusive regarding the impact of this variant on the protein function. Computational splicing tools suggest that this variant may not impact RNA splicing. To our knowledge, functional assays have not been performed for this variant nor has this variant been reported in individuals affected with cardiovascular disorders in the literature. This variant has been identified in 3/199228 chromosomes in the general population by the Genome Aggregation Database (gnomAD). Available evidence is insufficient to determine the role of this variant in disease conclusively.

This study involves interpretation of variants in research participants for the purpose of population health screening. Participant phenotype was not available at the time of variant classification. Additional details can be found in publication PMID: 35346344, PMCID: PMC8962531

Color Diagnostics, LLC DBA Color Health
Classification: Uncertain significance for Cardiomyopathy. Last evaluated: 2024-03-07. Review status: criteria provided, single submitter. Criteria: ACMG Guidelines, 2015. Collection method: clinical testing. Allele origin: germline.
Comment: This missense variant replaces arginine with glutamine at codon 160 of the MYBPC3 protein. Computational prediction tools indicate that this variant has a neutral impact on protein structure and function. To our knowledge, functional studies have not been reported for this variant. This variant has been reported in one individual affected with dilated cardiomyopathy (PMID: 37904629). This variant has been identified in 3/204374 chromosomes in the general population by the Genome Aggregation Database (gnomAD). The available evidence is insufficient to determine the role of this variant in disease conclusively. Therefore, this variant is classified as a Variant of Uncertain Significance.

Fulgent Genetics
Classification: Uncertain significance for Hypertrophic cardiomyopathy 4; Left ventricular noncompaction 10. Last evaluated: 2021-11-01. Review status: criteria provided, single submitter. Criteria: ACMG Guidelines, 2015. Collection method: clinical testing. Allele origin: unknown.

Ambry Genetics
Classification: Uncertain significance for Cardiovascular phenotype. Last evaluated: 2020-06-09. Review status: criteria provided, single submitter. Criteria: Ambry Variant Classification Scheme 2023. Collection method: clinical testing. Allele origin: germline.
Comment: The p.R160Q variant (also known as c.479G>A), located in coding exon 4 of the MYBPC3 gene, results from a G to A substitution at nucleotide position 479. The arginine at codon 160 is replaced by glutamine, an amino acid with highly similar properties. This variant has been reported in an individual from a community-based cohort with risk factors for cardiovascular disease (Bick AG et al. Am. J. Hum. Genet., 2012 Sep;91:513-9). This amino acid position is well conserved in available vertebrate species. In addition, this alteration is predicted to be tolerated by in silico analysis. Since supporting evidence is limited at this time, the clinical significance of this alteration remains unclear.

GeneDx
Classification: Uncertain significance. Last evaluated: 2020-04-09. Review status: criteria provided, single submitter. Criteria: GeneDx Variant Classification Process June 2021. Collection method: clinical testing. Allele origin: germline. Affected: yes.
Comment: Not observed at a significant frequency in large population cohorts (Lek et al., 2016); In silico analysis, which includes protein predictors and evolutionary conservation, supports that this variant does not alter protein structure/function; Reported in ClinVar as a variant of uncertain significance (ClinVar Variant ID# 181037; Landrum et al., 2016); This variant is associated with the following publications: (PMID: 22958901)

Molecular Diagnostic Laboratory for Inherited Cardiovascular Disease, Montreal Heart Institute
Classification: Uncertain significance for Primary familial hypertrophic cardiomyopathy. Last evaluated: 2016-07-25. Review status: criteria provided, single submitter. Criteria: ACMG Guidelines, 2015. Collection method: clinical testing. Allele origin: germline. Affected: yes.

Literature cited by the submitters: PubMed 22958901 (cited by Labcorp Genetics (formerly Invitae), Labcorp and Ambry Genetics); PubMed 37904629 (cited by Color Diagnostics, LLC DBA Color Health).